The following is an entry in ClinVar:

NM_017780.4(CHD7):c.3107G>A (p.Arg1036Gln)

Gene: CHD7 (chromodomain helicase DNA binding protein 7; plus strand). Cytogenetic location: 8q12.2.
Variant type: single nucleotide variant.
Coding change: c.3107G>A on transcript NM_017780.4 (MANE Select); coding-DNA position 3107, G replaced by A.
Protein change: p.Arg1036Gln; replaces arginine 1036 with glutamine.
Molecular consequence: missense variant. On other transcripts: intron variant (1).
Genome position (GRCh38, 1-based): chr8:60,822,652, G>A. VCF-style: chr8-60822652-G-A. GRCh37 (hg19) VCF-style: chr8-61735211-G-A.
Other names: c.1717-39577G>A (NM_001316690.1); short protein forms R1036Q.
Identifiers: ClinVar variation 4881461 (VCV004881461.2).
Genomic context (GRCh38, chr8:60,822,652, plus strand): 5'-ATGGCCCTTTTTTAGTAATTGCCCCATTGTCCACAATCCCCAACTGGGAAAGGGAATTCC[G>A]AACCTGGACAGAGTTGAACGTGGTTGTGTATCATGGGAGTCAAGCTAGTCGTCGGACCAT-3'
Protein context (NP_060250.2, residues 1026-1046): STIPNWEREF[Arg1036Gln]TWTELNVVVY

ClinVar aggregate classification (germline): Uncertain significance (1 of 4 stars; one submission).

gnomAD v4.1: 1 of 1,613,836 alleles (0.000062%); highest among the groups gnomAD compares: Non-Finnish European, 0.000085%; no homozygotes.

Submission:

Dasa
Classification: Uncertain significance. Last evaluated: 2024-11-04. Review status: criteria provided, single submitter. Criteria: DASA Assertion Criteria. Collection method: clinical testing. Allele origin: germline.
Comment: NM_017780.4(CHD7):c.3107G>A (p.Arg1036Gln) is a missense variant that results in the substitution of arginine with glutamine. This variant is rare in population databases. Computational prediction algorithms are consistent with a deleterious effect. The currently available literature and clinical evidence are not sufficient to establish a definitive association between this variant and the reported condition. Therefore, this variant is classified as a variant of uncertain significance.